The following is an entry in ClinVar:

ClinVar aggregate classification (germline): Uncertain significance. Review status: criteria provided, multiple submitters, no conflicts (2 of 4 stars). 4 submissions from 4 submitters: Uncertain significance (4). Last evaluated 2025-11-01.

Conditions:
Pseudopseudohypoparathyroidism (PPHP). Also called: Pseudopseudohypoparathyroidism (PPHP); ALBRIGHT HEREDITARY OSTEODYSTROPHY WITHOUT MULTIPLE HORMONE RESISTANCE. Identifiers: Orphanet 79445, MedGen C0033835, MONDO:0012912, OMIM 612463.

Submissions (4):

CeGaT Center for Human Genetics Tuebingen
Classification: Uncertain significance. Last evaluated: 2025-11-01. Review status: criteria provided, single submitter. Criteria: CeGaT Center For Human Genetics Tuebingen Variant Classification Criteria Version 2. Collection method: clinical testing. Allele origin: germline. Affected: yes. Observed: 1 variant allele.
Comment: GNAS: PM2, PM5:Supporting, PP2, PS4:Supporting

Dasa
Classification: Uncertain significance. Last evaluated: 2025-10-03. Review status: criteria provided, single submitter. Criteria: DASA Assertion Criteria. Collection method: clinical testing. Allele origin: germline.
Comment: NM_000516.7(GNAS):c.325G>A (p.Ala109Thr) is a missense variant that results in the substitution of alanine with threonine. The affected residue or protein region has prior evidence supporting clinical relevance. Published studies describe this variant in association with related phenotype (PMID: 25363768). Also, this variant is absent from population databases. Computational prediction algorithms are consistent with a deleterious effect. The currently available literature and clinical evidence are not sufficient to establish a definitive association between this variant and the reported condition. Therefore, this variant is classified as a variant of uncertain significance.

3billion
Classification: Uncertain significance for Pseudopseudohypoparathyroidism. Last evaluated: 2023-10-10. Review status: criteria provided, single submitter. Criteria: ACMG Guidelines, 2015. Collection method: clinical testing. Allele origin: germline. Affected: yes.
Comment: The variant is not observed in the gnomAD v2.1.1 dataset. Predicted Consequence/Location: Missense variant In silico tool predictions suggest damaging effect of the variant on gene or gene product [REVEL: 0.88 (>=0.6, sensitivity 0.68 and specificity 0.92); 3Cnet: 0.73 (>=0.6, sensitivity 0.72 and precision 0.9)]. Same nucleotide change resulting in same amino acid change has been previously reported to be associated with GNAS related disorder (PMID: 29059381). A different missense change at the same codon (p.Ala109Pro) has been reported to be associated with GNAS related disorder (PMID: 25464124). However the evidence of pathogenicity is insufficient at this time. Therefore, this variant is classified as VUS according to the recommendation of ACMG/AMP guideline.

GeneDx
Classification: Uncertain significance. Last evaluated: 2022-02-08. Review status: criteria provided, single submitter. Criteria: GeneDx Variant Classification Process June 2021. Collection method: clinical testing. Allele origin: germline. Affected: yes.
Comment: Identified in a patient with Albright hereditary osteodystrophy in the published literature (Salemi et al., 2018), and also reported as apparently de novo in multiple patients with autism spectrum disorder (Iossifov et al., 2014; Lim et al., 2017; Turner et al., 2019); In silico analysis supports that this missense variant has a deleterious effect on protein structure/function; Not observed at significant frequency in large population cohorts (gnomAD); This variant is associated with the following publications: (PMID: 25363768, 28191890, 28714951, 34011629, 31785789, 29059381)

Literature cited by the submitters: PubMed 25363768 (cited by Dasa); PubMed 25464124 (cited by 3billion); PubMed 29059381 (cited by 3billion).

NM_000516.7(GNAS):c.325G>A (p.Ala109Thr)

Gene: GNAS (GNAS complex locus; plus strand). Cytogenetic location: 20q13.32.
Variant type: single nucleotide variant.
Coding change: c.325G>A on transcript NM_000516.7 (MANE Select); coding-DNA position 325, G replaced by A.
Protein change: p.Ala109Thr; replaces alanine 109 with threonine.
Molecular consequence: missense variant. On other transcripts: 3 prime UTR variant (2).
Genome position (GRCh38, 1-based): chr20:58,903,684, G>A. VCF-style: chr20-58903684-G-A. GRCh37 (hg19) VCF-style: chr20-57478739-G-A.
Other names: c.328G>A, p.Ala110Thr (NM_001077488.5); c.280G>A, p.Ala94Thr (NM_001077489.4); c.*186G>A (NM_001077490.3); c.148G>A, p.Ala50Thr (NM_001309840.2, NM_001309861.2); c.*231G>A (NM_016592.5); c.2254G>A, p.Ala752Thr (NM_080425.4); c.283G>A, p.Ala95Thr (NM_080426.4); short protein forms A109T, A110T, A50T, A752T, A94T, A95T.
Identifiers: ClinVar variation 1702771 (VCV001702771.11), dbSNP rs2090847079, ClinGen allele CA409450375.